The following is an entry in ClinVar:

ClinVar aggregate classification (germline): Likely benign. Review status: criteria provided, multiple submitters, no conflicts (2 of 4 stars). 4 submissions from 4 submitters: Likely benign (4). Last evaluated 2025-09-05.

Conditions:
Hereditary breast ovarian cancer syndrome. Also called: BRCA1- and BRCA2-Associated Hereditary Breast and Ovarian Cancer; Hereditary breast and ovarian cancer syndrome; Hereditary breast and ovarian cancer; Hereditary breast and ovarian cancer syndrome (HBOC); Breast and ovarian cancer; Hereditary breast and/or ovarian cancer syndrome. Identifiers: Orphanet 145, MedGen C0677776, MeSH D061325, MONDO:0003582. Disease mechanism: loss of function.
Hereditary cancer-predisposing syndrome. Also called: Neoplastic Syndromes, Hereditary; Tumor predisposition; Hereditary Cancer Syndrome; Hereditary neoplastic syndrome. Identifiers: Orphanet 140162, MedGen C0027672, MeSH D009386, MONDO:0015356.
BRCA2-related cancer predisposition. Identifiers: MedGen CN377758, MONDO:0700269.

Allele frequency attached by ClinVar (database versions not stated): gnomAD exomes below 0.00001; TOPMed below 0.00001.
gnomAD v4.1: 3 of 1,602,774 alleles (0.00019%); highest among the groups gnomAD compares: Non-Finnish European, 0.00025%; no homozygotes.

Submissions (4):

Labcorp Genetics (formerly Invitae), Labcorp
Classification: Likely benign for Hereditary breast ovarian cancer syndrome. Last evaluated: 2025-09-05. Review status: criteria provided, single submitter. Criteria: Invitae Variant Classification Sherloc (09022015). Collection method: clinical testing. Allele origin: germline.

All of Us Research Program, National Institutes of Health
Classification: Likely benign for BRCA2-related cancer predisposition. Last evaluated: 2024-05-31. Review status: criteria provided, single submitter. Criteria: ACMG Guidelines, 2015. Collection method: clinical testing. Allele origin: germline. Inheritance: Autosomal dominant inheritance. Observed: 1 variant allele, 1 heterozygote.
Comment: This study involves interpretation of variants in research participants for the purpose of population health screening. Participant phenotype was not available at the time of variant classification. Additional details can be found in publication PMID: 35346344, PMCID: PMC8962531

Ambry Genetics
Classification: Likely benign for Hereditary cancer-predisposing syndrome. Last evaluated: 2020-08-29. Review status: criteria provided, single submitter. Criteria: Ambry Variant Classification Scheme 2023. Collection method: clinical testing. Allele origin: germline.

Color Diagnostics, LLC DBA Color Health
Classification: Likely benign for Hereditary cancer-predisposing syndrome. Last evaluated: 2019-10-09. Review status: criteria provided, single submitter. Criteria: ACMG Guidelines, 2015. Collection method: clinical testing. Allele origin: germline.

NM_000059.4(BRCA2):c.1479A>G (p.Pro493=)

Gene: BRCA2 (BRCA2 DNA repair associated; plus strand). Cytogenetic location: 13q13.1.
Variant type: single nucleotide variant.
Coding change: c.1479A>G on transcript NM_000059.4 (MANE Select); coding-DNA position 1479, A replaced by G.
Protein change: p.Pro493=; no amino-acid change (proline 493 retained).
Molecular consequence: synonymous variant.
Genome position (GRCh38, 1-based): chr13:32,332,957, A>G. VCF-style: chr13-32332957-A-G. GRCh37 (hg19) VCF-style: chr13-32907094-A-G.
Identifiers: ClinVar variation 918724 (VCV000918724.13), dbSNP rs1555281918, ClinGen allele CA483436678.